The following is an entry in ClinVar:

ClinVar aggregate classification (germline): Uncertain significance. Review status: criteria provided, multiple submitters, no conflicts (2 of 4 stars). 3 submissions from 3 submitters: Uncertain significance (2). 1 of the submissions does not count toward it. Last evaluated 2024-02-22.

Conditions:
Lucey-Driscoll syndrome (HBLRTFN). Also called: Transient familial neonatal hyperbilirubinemia. Identifiers: Orphanet 2312, MedGen C0270210, MONDO:0009383, OMIM 237900.
Crigler-Najjar syndrome, type II. Also called: HYPERBILIRUBINEMIA, CRIGLER-NAJJAR TYPE II; Crigler Najjar syndrome, type 2; Mutation in the UDP-glucuronosyl-transferase gene. Identifiers: Orphanet 205, Orphanet 79235, MedGen C2931132, MONDO:0011725, OMIM 606785.
Crigler-Najjar syndrome type 1. Also called: HYPERBILIRUBINEMIA, CRIGLER-NAJJAR TYPE I. Identifiers: Orphanet 79234, MedGen C0010324, MONDO:0021020, OMIM 218800.
Gilbert syndrome. Also called: HYPERBILIRUBINEMIA, GILBERT TYPE; Gilbert Disease; Gilbert's syndrome; HYPERBILIRUBINEMIA I; HYPERBILIRUBINEMIA, ARIAS TYPE. Identifiers: MedGen C0017551, MONDO:0007745, OMIM 143500.
UGT1A1-related disorder. Also called: UGT1A1-related condition; UGT1A1-related disorders.

Allele frequency attached by ClinVar (database versions not stated): TOPMed 0.00003; gnomAD 0.00005 and 0.00006; ESP Exome Variant Server 0.00023.
gnomAD v4.1: 290 of 1,614,050 alleles (0.018%); highest among the groups gnomAD compares: Non-Finnish European, 0.024%; no homozygotes.

Submissions (3):

ARUP Laboratories, Molecular Genetics and Genomics, ARUP Laboratories
Classification: Uncertain significance. Last evaluated: 2024-02-22. Review status: criteria provided, single submitter. Criteria: ARUP Molecular Germline Variant Investigation Process 2024. Collection method: clinical testing. Allele origin: germline.
Comment: The UGT1A1 c.1028C>T; p.Ser343Leu variant (rs144978321), to our knowledge, is not reported in the medical literature but is reported in ClinVar (Variation ID: 811688). This variant is found in the general population with an overall allele frequency of 0.009% (25/280456 alleles, including no homozygotes) in the Genome Aggregation Database. The serine at codon 343 is weakly conserved and computational analyses are uncertain whether this variant is neutral or deleterious (REVEL: 0.241). Given the lack of clinical and functional data, the significance of this variant is uncertain at this time.

Department of Pathology and Laboratory Medicine, Sinai Health System
Classification: Uncertain significance for Gilbert syndrome; Crigler-Najjar syndrome type 1; Lucey-Driscoll syndrome; Crigler-Najjar syndrome, type II. Last evaluated: 2020-08-31. Review status: criteria provided, single submitter. Criteria: ACMG Guidelines, 2015. Collection method: research. Allele origin: germline.

PreventionGenetics, part of Exact Sciences
Classification: Uncertain significance for UGT1A1-related condition. Last evaluated: 2024-08-09. Review status: no assertion criteria provided. Collection method: clinical testing. Allele origin: germline. Not counted in ClinVar's aggregate classification.
Comment: The UGT1A1 c.1028C>T variant is predicted to result in the amino acid substitution p.Ser343Leu. To our knowledge, this variant has not been reported in the literature. This variant is reported in 0.017% of alleles in individuals of European (Non-Finnish) descent in gnomAD. At this time, the clinical significance of this variant is uncertain due to the absence of conclusive functional and genetic evidence.

NM_000463.3(UGT1A1):c.1028C>T (p.Ser343Leu)

Genes: UGT1A1 (UDP glucuronosyltransferase family 1 member A1; plus strand), UGT1A8 (UDP glucuronosyltransferase family 1 member A8; plus strand), UGT1A6 (UDP glucuronosyltransferase family 1 member A6; plus strand), UGT1A7 (UDP glucuronosyltransferase family 1 member A7; plus strand), UGT1A (UDP glucuronosyltransferase family 1 member A complex locus; plus strand) and 5 more. Cytogenetic location: 2q37.1.
Variant type: single nucleotide variant.
Coding change: c.1028C>T on transcript NM_000463.3 (MANE Select); coding-DNA position 1028, C replaced by T.
Protein change: p.Ser343Leu; replaces serine 343 with leucine.
Molecular consequence: missense variant.
Genome position (GRCh38, 1-based): chr2:233,767,880, C>T. VCF-style: chr2-233767880-C-T. GRCh37 (hg19) VCF-style: chr2-234676526-C-T.
Other names: c.1019C>T, p.Ser340Leu (NM_019075.4, NM_019076.5, NM_019077.3 and 1 more transcripts); c.1025C>T, p.Ser342Leu (NM_001072.4); c.224C>T, p.Ser75Leu (NM_205862.3); c.1031C>T, p.Ser344Leu (NM_019078.2, NM_007120.3, NM_019093.4); short protein forms S340L, S342L, S343L, S344L, S75L.
Identifiers: ClinVar variation 811688 (VCV000811688.15), dbSNP rs144978321, ClinGen allele CA2179968.